The following is an entry in ClinVar:

ClinVar aggregate classification (germline): Uncertain significance. Review status: criteria provided, single submitter (1 of 4 stars). 2 submissions from 2 submitters: Uncertain significance (1). 1 of the submissions does not count toward it. Last evaluated 2024-02-17.

Conditions:
Retinitis pigmentosa 28 (RP28). Identifiers: Orphanet 791, MedGen C1419614, MONDO:0011630, OMIM 606068.

Allele frequency attached by ClinVar (database versions not stated): gnomAD exomes below 0.00001; ExAC 0.00001; gnomAD 0.00001; TOPMed 0.00001; ESP Exome Variant Server 0.00008.
gnomAD v4.1: 9 of 1,504,456 alleles (0.0006%); highest among the groups gnomAD compares: Non-Finnish European, 0.00065%; no homozygotes.

Submissions (2):

Labcorp Genetics (formerly Invitae), Labcorp
Classification: Uncertain significance. Last evaluated: 2024-02-17. Review status: criteria provided, single submitter. Criteria: Invitae Variant Classification Sherloc (09022015). Collection method: clinical testing. Allele origin: germline.
Comment: This sequence change falls in intron 2 of the FAM161A gene. It does not directly change the encoded amino acid sequence of the FAM161A protein. It affects a nucleotide within the consensus splice site. This variant is present in population databases (rs373374401, gnomAD 0.0009%). This variant has not been reported in the literature in individuals affected with FAM161A-related conditions. ClinVar contains an entry for this variant (Variation ID: 840586). Variants that disrupt the consensus splice site are a relatively common cause of aberrant splicing (PMID: 17576681, 9536098). Algorithms developed to predict the effect of sequence changes on RNA splicing suggest that this variant is not likely to affect RNA splicing. In summary, the available evidence is currently insufficient to determine the role of this variant in disease. Therefore, it has been classified as a Variant of Uncertain Significance.

Natera, Inc.
Classification: Uncertain significance for Retinitis pigmentosa type 28. Last evaluated: 2020-03-04. Review status: no assertion criteria provided. Collection method: clinical testing. Allele origin: germline. Not counted in ClinVar's aggregate classification.

Literature cited by the submitters: PubMed 17576681 (cited by Labcorp Genetics (formerly Invitae), Labcorp); PubMed 9536098 (cited by Labcorp Genetics (formerly Invitae), Labcorp).

NM_001201543.2(FAM161A):c.422+3A>T

Gene: FAM161A (FAM161 centrosomal protein A; minus strand). Cytogenetic location: 2p15.
Variant type: single nucleotide variant.
Coding change: c.422+3A>T on transcript NM_001201543.2 (MANE Select); 3 bases into the intron after coding-DNA position 422, A replaced by T.
Molecular consequence: intron variant.
Genome position (GRCh38, 1-based): chr2:61,842,119, T>A on the plus strand (A>T on the coding strand, the complement: FAM161A is on the minus strand). VCF-style: chr2-61842119-T-A. GRCh37 (hg19) VCF-style: chr2-62069254-T-A.
Other names: c.422+3A>T (NM_032180.3).
Identifiers: ClinVar variation 840586 (VCV000840586.6), dbSNP rs373374401, ClinGen allele CA1679374.